The following is an entry in ClinVar:

NM_001061.7(TBXAS1):c.577G>A (p.Val193Ile)

Gene: TBXAS1 (thromboxane A synthase 1; plus strand). Cytogenetic location: 7q34.
Variant type: single nucleotide variant.
Coding change: c.577G>A on transcript NM_001061.7 (MANE Select); coding-DNA position 577, G replaced by A.
Protein change: p.Val193Ile; replaces valine 193 with isoleucine.
Molecular consequence: missense variant.
Genome position (GRCh38, 1-based): chr7:139,955,496, G>A. VCF-style: chr7-139955496-G-A. GRCh37 (hg19) VCF-style: chr7-139655295-G-A.
Other names: c.580G>A (NM_001061.4); c.577G>A, p.Val193Ile (NM_001130966.5, NM_030984.6); c.715G>A, p.Val239Ile (NM_001166253.4); c.376G>A, p.Val126Ile (NM_001166254.4); c.520G>A, p.Val174Ile (NM_001314028.4); c.394G>A, p.Val132Ile (NM_001366537.3); short protein forms V126I, V132I, V174I, V193I, V194I, V239I, V240I.
Identifiers: ClinVar variation 2422030 (VCV002422030.4), dbSNP rs372058761, ClinGen allele CA4511720.

ClinVar aggregate classification (germline): Uncertain significance. Review status: criteria provided, multiple submitters, no conflicts (2 of 4 stars). 2 submissions from 2 submitters: Uncertain significance (2). Last evaluated 2026-07-14.

Conditions:
TBXAS1-related disorder. Also called: TBXAS1-related condition.

Allele frequency attached by ClinVar (database versions not stated): gnomAD exomes below 0.00001; ExAC 0.00002; gnomAD 0.00005; ESP Exome Variant Server 0.00008; TOPMed 0.00013.
gnomAD v4.1: 14 of 1,614,094 alleles (0.00087%); highest among the groups gnomAD compares: Admixed American, 0.012%; no homozygotes.

Submissions (2):

PreventionGenetics, part of Exact Sciences
Classification: Uncertain significance for TBXAS1-related condition. Last evaluated: 2026-07-14. Review status: criteria provided, single submitter. Criteria: ACMG Guidelines, 2015. Collection method: clinical testing. Allele origin: germline.
Comment: The TBXAS1 c.580G>A variant is predicted to result in the amino acid substitution p.Val194Ile. To our knowledge, this variant has not been reported in the literature. This variant is reported in 0.012% of alleles in individuals of African descent in gnomAD. At this time, the clinical significance of this variant is uncertain due to the absence of conclusive functional and genetic evidence.

Labcorp Genetics (formerly Invitae), Labcorp
Classification: Uncertain significance. Last evaluated: 2022-10-17. Review status: criteria provided, single submitter. Criteria: Invitae Variant Classification Sherloc (09022015). Collection method: clinical testing. Allele origin: germline.
Comment: In summary, the available evidence is currently insufficient to determine the role of this variant in disease. Therefore, it has been classified as a Variant of Uncertain Significance. Algorithms developed to predict the effect of missense changes on protein structure and function output the following: SIFT: "Tolerated"; PolyPhen-2: "Benign"; Align-GVGD: "Class C0". The isoleucine amino acid residue is found in multiple mammalian species, which suggests that this missense change does not adversely affect protein function. This variant has not been reported in the literature in individuals affected with TBXAS1-related conditions. This variant is present in population databases (rs372058761, gnomAD 0.01%). This sequence change replaces valine, which is neutral and non-polar, with isoleucine, which is neutral and non-polar, at codon 194 of the TBXAS1 protein (p.Val194Ile).